The following is an entry in ClinVar:

NM_000170.3(GLDC):c.714-2A>G

Gene: GLDC (glycine decarboxylase; minus strand). Cytogenetic location: 9p24.1.
Variant type: single nucleotide variant.
Coding change: c.714-2A>G on transcript NM_000170.3 (MANE Select); the canonical splice acceptor site of the intron before coding-DNA position 714, A replaced by G.
Molecular consequence: splice acceptor variant.
Genome position (GRCh38, 1-based): chr9:6,605,280, T>C on the plus strand (A>G on the coding strand, the complement: GLDC is on the minus strand). VCF-style: chr9-6605280-T-C. GRCh37 (hg19) VCF-style: chr9-6605280-T-C.
Identifiers: ClinVar variation 1493468 (VCV001493468.8), dbSNP rs1170385434, ClinGen allele CA372896848.
Genomic context (GRCh38, chr9:6,605,280, plus strand): 5'-CTTTTCCACTGAAGTCCATTTCACAGGGTAACTTCAGCTCAGTGAGGACTCCAGTATATC[T>C]GGAAAGACAGACAACAAAGAACAATCGTGCTTTCGGTTTATAAGGGAAAATTAATTAACG-3'

ClinVar aggregate classification (germline): Pathogenic (1 of 4 stars; one submission).

Conditions:
Glycine encephalopathy. Also called: Non-ketotic hyperglycinemia; Nonketotic hyperglycinemia. Identifiers: Orphanet 407, MedGen C0751748, MONDO:0011612, HP:0008288.

Allele frequency attached by ClinVar (database versions not stated): TOPMed below 0.00001; gnomAD 0.00001; gnomAD exomes 0.00001.

Submission:

Labcorp Genetics (formerly Invitae), Labcorp
Classification: Pathogenic for Glycine encephalopathy. Last evaluated: 2025-05-05. Review status: criteria provided, single submitter. Criteria: Invitae Variant Classification Sherloc (09022015). Collection method: clinical testing. Allele origin: germline.
Comment: This sequence change affects an acceptor splice site in intron 5 of the GLDC gene. It is expected to disrupt RNA splicing. Variants that disrupt the donor or acceptor splice site typically lead to a loss of protein function (PMID: 16199547), and loss-of-function variants in GLDC are known to be pathogenic (PMID: 16601880). This variant is not present in population databases (gnomAD no frequency). Disruption of this splice site has been observed in individual(s) with clinical features of glycine encephalopathy (internal data). In at least one individual the data is consistent with being in trans (on the opposite chromosome) from a pathogenic variant. ClinVar contains an entry for this variant (Variation ID: 1493468). Algorithms developed to predict the effect of sequence changes on RNA splicing suggest that this variant may disrupt the consensus splice site. For these reasons, this variant has been classified as Pathogenic.

Literature cited by the submitters: PubMed 16199547; PubMed 16601880.